The following is an entry in ClinVar:

NM_001042492.3(NF1):c.5500T>C (p.Ser1834Pro)

Gene: NF1 (neurofibromin 1; plus strand). Cytogenetic location: 17q11.2.
Variant type: single nucleotide variant.
Coding change: c.5500T>C on transcript NM_001042492.3 (MANE Select); coding-DNA position 5500, T replaced by C.
Protein change: p.Ser1834Pro; replaces serine 1834 with proline.
Molecular consequence: missense variant.
Genome position (GRCh38, 1-based): chr17:31,327,730, T>C. VCF-style: chr17-31327730-T-C. GRCh37 (hg19) VCF-style: chr17-29654748-T-C.
Other names: c.5437T>C, p.Ser1813Pro (NM_000267.4); short protein forms S1813P, S1834P.
Identifiers: ClinVar variation 3613708 (VCV003613708.2).

ClinVar aggregate classification (germline): Uncertain significance (1 of 4 stars; one submission).

Conditions:
Neurofibromatosis, type 1 (NF1). Also called: Peripheral type neurofibromatosis; NEUROFIBROMATOSIS, TYPE I, SOMATIC; VON RECKLINGHAUSEN DISEASE; Neurofibromatosis, type I. Identifiers: Orphanet 636, MedGen C0027831, MONDO:0018975, OMIM 162200. Disease mechanism: loss of function.

Submission:

Labcorp Genetics (formerly Invitae), Labcorp
Classification: Uncertain significance for Neurofibromatosis, type 1. Last evaluated: 2024-06-01. Review status: criteria provided, single submitter. Criteria: Invitae Variant Classification Sherloc (09022015). Collection method: clinical testing. Allele origin: germline.
Comment: This sequence change replaces serine, which is neutral and polar, with proline, which is neutral and non-polar, at codon 1813 of the NF1 protein (p.Ser1813Pro). This variant is not present in population databases (gnomAD no frequency). This missense change has been observed in individual(s) with clinical features of NF1-related conditions (PMID: 31370276). Advanced modeling of protein sequence and biophysical properties (such as structural, functional, and spatial information, amino acid conservation, physicochemical variation, residue mobility, and thermodynamic stability) performed at Invitae indicates that this missense variant is expected to disrupt NF1 protein function with a positive predictive value of 95%. In summary, the available evidence is currently insufficient to determine the role of this variant in disease. Therefore, it has been classified as a Variant of Uncertain Significance.

Literature cited by the submitters: PubMed 31370276.